The following is an entry in ClinVar:

NM_004104.5(FASN):c.7444C>T (p.Arg2482Cys)

Gene: FASN (fatty acid synthase; minus strand). Cytogenetic location: 17q25.3.
Variant type: single nucleotide variant.
Coding change: c.7444C>T on transcript NM_004104.5 (MANE Select); coding-DNA position 7444, C replaced by T.
Protein change: p.Arg2482Cys; replaces arginine 2482 with cysteine.
Molecular consequence: missense variant.
Genome position (GRCh38, 1-based): chr17:82,079,235, G>A on the plus strand (C>T on the coding strand, the complement: FASN is on the minus strand). VCF-style: chr17-82079235-G-A. GRCh37 (hg19) VCF-style: chr17-80037111-G-A.
Other names: short protein forms R2482C.
Identifiers: ClinVar variation 2963434 (VCV002963434.3), dbSNP rs777971087, ClinGen allele CA8850984.

ClinVar aggregate classification (germline): Uncertain significance (1 of 4 stars; one submission).

Conditions:
Epileptic encephalopathy. Identifiers: MedGen C0543888, HP:0200134.

Allele frequency attached by ClinVar (database versions not stated): TOPMed 0.00002; ExAC 0.00003; gnomAD 0.00003; gnomAD exomes 0.00003.
gnomAD v4.1: 55 of 1,612,928 alleles (0.0034%); highest among the groups gnomAD compares: South Asian, 0.0055%; no homozygotes.

Submission:

Labcorp Genetics (formerly Invitae), Labcorp
Classification: Uncertain significance for Epileptic encephalopathy. Last evaluated: 2023-09-22. Review status: criteria provided, single submitter. Criteria: Invitae Variant Classification Sherloc (09022015). Collection method: clinical testing. Allele origin: germline.
Comment: An algorithm developed to predict the effect of missense changes on protein structure and function (PolyPhen-2) suggests that this variant is likely to be tolerated. This variant has not been reported in the literature in individuals affected with FASN-related conditions. This variant is present in population databases (rs777971087, gnomAD 0.01%). This sequence change replaces arginine, which is basic and polar, with cysteine, which is neutral and slightly polar, at codon 2482 of the FASN protein (p.Arg2482Cys). In summary, the available evidence is currently insufficient to determine the role of this variant in disease. Therefore, it has been classified as a Variant of Uncertain Significance.